The following is an entry in ClinVar:

ClinVar aggregate classification (germline): Benign/Likely benign. Review status: criteria provided, multiple submitters, no conflicts (2 of 4 stars). 7 submissions from 7 submitters: Benign (3); Likely benign (1). 3 of the submissions do not count toward it. Last evaluated 2026-02-01.

Conditions:
Dilated cardiomyopathy 1G (CMD1G). Identifiers: Orphanet 154, MedGen C1858763, MONDO:0011400, OMIM 604145.
Autosomal recessive limb-girdle muscular dystrophy type 2J (LGMDR10). Also called: MUSCULAR DYSTROPHY, LIMB-GIRDLE, AUTOSOMAL RECESSIVE 10; Limb-girdle muscular dystrophy, type 2J. Identifiers: Orphanet 140922, MedGen C1837342, MONDO:0012127, OMIM 608807.

Allele frequency attached by ClinVar (database versions not stated): gnomAD 0.00043 and 0.00074; 1000 Genomes Project 0.00639; ExAC 0.00127; ESP Exome Variant Server 0.00008; TOPMed 0.00072; 1000 Genomes Project 30x 0.00656.
gnomAD v4.1: 696 of 1,612,772 alleles (0.043%); highest among the groups gnomAD compares: East Asian, 1.3%; 8 homozygotes.

Submissions (7):

Labcorp Genetics (formerly Invitae), Labcorp
Classification: Benign for Dilated cardiomyopathy 1G; Autosomal recessive limb-girdle muscular dystrophy type 2J. Last evaluated: 2026-02-01. Review status: criteria provided, single submitter. Criteria: Invitae Variant Classification Sherloc (09022015). Collection method: clinical testing. Allele origin: germline.

Blueprint Genetics
Classification: Likely benign. Last evaluated: 2024-11-11. Review status: criteria provided, single submitter. Criteria: ACMG Guidelines, 2015. Collection method: clinical testing. Allele origin: germline.

Women's Health and Genetics/Laboratory Corporation of America, LabCorp
Classification: Benign. Last evaluated: 2023-05-15. Review status: criteria provided, single submitter. Criteria: LabCorp Variant Classification Summary - May 2015. Collection method: clinical testing. Allele origin: germline.

GeneDx
Classification: Benign. Last evaluated: 2014-08-27. Review status: criteria provided, single submitter. Criteria: GeneDx Variant Classification (06012015). Collection method: clinical testing. Allele origin: germline. Affected: yes.
Comment: This variant is considered likely benign or benign based on one or more of the following criteria: it is a conservative change, it occurs at a poorly conserved position in the protein, it is predicted to be benign by multiple in silico algorithms, and/or has population frequency not consistent with disease.

Clinical Genetics DNA and cytogenetics Diagnostics Lab, Erasmus MC, Erasmus Medical Center
Classification: Benign. Review status: no assertion criteria provided. Collection method: clinical testing. Allele origin: germline. Affected: yes. Study: VKGL Data-share Consensus. Not counted in ClinVar's aggregate classification.

Clinical Genetics, Academic Medical Center
Classification: Benign. Review status: no assertion criteria provided. Collection method: clinical testing. Allele origin: germline. Affected: yes. Study: VKGL Data-share Consensus. Not counted in ClinVar's aggregate classification.

Diagnostic Laboratory, Department of Genetics, University Medical Center Groningen
Classification: Likely benign. Review status: no assertion criteria provided. Collection method: clinical testing. Allele origin: germline. Affected: yes. Study: VKGL Data-share Consensus. Not counted in ClinVar's aggregate classification.

NM_001267550.2(TTN):c.44014+19G>C

Gene: TTN (titin; minus strand). Cytogenetic location: 2q31.2.
Variant type: single nucleotide variant.
Coding change: c.44014+19G>C on transcript NM_001267550.2 (MANE Select); 19 bases into the intron after coding-DNA position 44014, G replaced by C.
Molecular consequence: intron variant.
Genome position (GRCh38, 1-based): chr2:178,631,015, C>G on the plus strand (G>C on the coding strand, the complement: TTN is on the minus strand). VCF-style: chr2-178631015-C-G. GRCh37 (hg19) VCF-style: chr2-179495742-C-G.
Other names: c.16819+19G>C (NM_003319.4); c.17395+19G>C (NM_133437.4); c.17194+19G>C (NM_133432.3); c.36310+19G>C (NM_133378.4); c.39091+19G>C (NM_001256850.1).
Identifiers: ClinVar variation 202266 (VCV000202266.18), dbSNP rs139264089, ClinGen allele CA308936.